The following is an entry in ClinVar:

ClinVar aggregate classification (germline): Uncertain significance (1 of 4 stars; one submission).

Conditions:
Hereditary cancer-predisposing syndrome. Also called: Hereditary Cancer Syndrome; Hereditary neoplastic syndrome; Neoplastic Syndromes, Hereditary; Tumor predisposition. Identifiers: Orphanet 140162, MedGen C0027672, MeSH D009386, MONDO:0015356.

Submission:

Ambry Genetics
Classification: Uncertain significance for Hereditary cancer-predisposing syndrome. Last evaluated: 2022-09-13. Review status: criteria provided, single submitter. Criteria: Ambry Variant Classification Scheme 2023. Collection method: clinical testing. Allele origin: germline.
Comment: The p.A1887E variant (also known as c.5660C>A), located in coding exon 36 of the ATM gene, results from a C to A substitution at nucleotide position 5660. The alanine at codon 1887 is replaced by glutamic acid, an amino acid with dissimilar properties. This amino acid position is not well conserved in available vertebrate species. In addition, this alteration is predicted to be tolerated by in silico analysis. Since supporting evidence is limited at this time, the clinical significance of this alteration remains unclear.

NM_000051.4(ATM):c.5660C>A (p.Ala1887Glu)

Gene: ATM (ATM serine/threonine kinase; plus strand). Cytogenetic location: 11q22.3.
Variant type: single nucleotide variant.
Coding change: c.5660C>A on transcript NM_000051.4 (MANE Select); coding-DNA position 5660, C replaced by A.
Protein change: p.Ala1887Glu; replaces alanine 1887 with glutamic acid.
Molecular consequence: missense variant.
Genome position (GRCh38, 1-based): chr11:108,304,838, C>A. VCF-style: chr11-108304838-C-A. GRCh37 (hg19) VCF-style: chr11-108175565-C-A.
Other names: c.5660C>A, p.Ala1887Glu (NM_001351834.2); short protein forms A1887E.
Identifiers: ClinVar variation 1748919 (VCV001748919.2), dbSNP rs1297909613, ClinGen allele CA382546538.